The following is an entry in ClinVar:

ClinVar aggregate classification (germline): Uncertain significance (1 of 4 stars; one submission).

gnomAD v4.1: 1 of 1,607,594 alleles (0.000062%); highest among the groups gnomAD compares: Non-Finnish European, 0.000085%; no homozygotes.

Submission:

Labcorp Genetics (formerly Invitae), Labcorp
Classification: Uncertain significance. Last evaluated: 2025-12-06. Review status: criteria provided, single submitter. Criteria: Invitae Variant Classification Sherloc (09022015). Collection method: clinical testing. Allele origin: germline.
Comment: This sequence change falls in intron 7 of the PLG gene. It does not directly change the encoded amino acid sequence of the PLG protein. This variant is not present in population databases (gnomAD no frequency). This variant has not been reported in the literature in individuals affected with PLG-related conditions. Algorithms developed to predict the effect of sequence changes on RNA splicing suggest that this variant may disrupt the consensus splice site. In summary, the available evidence is currently insufficient to determine the role of this variant in disease. Therefore, it has been classified as a Variant of Uncertain Significance.

NM_000301.5(PLG):c.788-15T>A

Gene: PLG (plasminogen; plus strand). Cytogenetic location: 6q26.
Variant type: single nucleotide variant.
Coding change: c.788-15T>A on transcript NM_000301.5 (MANE Select); 15 bases into the intron before coding-DNA position 788, T replaced by A.
Molecular consequence: intron variant.
Genome position (GRCh38, 1-based): chr6:160,718,279, T>A. VCF-style: chr6-160718279-T-A. GRCh37 (hg19) VCF-style: chr6-161139311-T-A.
Identifiers: ClinVar variation 4708001 (VCV004708001.1).
Genomic context (GRCh38, chr6:160,718,279, plus strand): 5'-CCAGCCTGGGCGACAGAGCGAGACTCCGTCTCAAAAAATATATATATTCATTGTAACTTA[T>A]TTTGCCCATTCAAGCAACACCTCCACCATCTTCTGGTCCCACCTACCAGTGTCTGAAGGG-3'